The following is an entry in ClinVar:

NM_002471.4(MYH6):c.2816C>T (p.Thr939Ile)

Gene: MYH6 (myosin heavy chain 6; minus strand). Cytogenetic location: 14q11.2.
Variant type: single nucleotide variant.
Coding change: c.2816C>T on transcript NM_002471.4 (MANE Select); coding-DNA position 2816, C replaced by T.
Protein change: p.Thr939Ile; replaces threonine 939 with isoleucine.
Molecular consequence: missense variant.
Genome position (GRCh38, 1-based): chr14:23,393,778, G>A on the plus strand (C>T on the coding strand, the complement: MYH6 is on the minus strand). VCF-style: chr14-23393778-G-A. GRCh37 (hg19) VCF-style: chr14-23862987-G-A.
Other names: short protein forms T939I.
Identifiers: ClinVar variation 4539879 (VCV004539879.1).

ClinVar aggregate classification (germline): Uncertain significance (1 of 4 stars; one submission).

gnomAD v4.1: 1 of 1,614,234 alleles (0.000062%); highest among the groups gnomAD compares: Non-Finnish European, 0.000085%; no homozygotes.

Submission:

GeneDx
Classification: Uncertain significance. Last evaluated: 2025-06-25. Review status: criteria provided, single submitter. Criteria: GeneDx Variant Classification Process June 2021. Collection method: clinical testing. Allele origin: germline. Affected: yes.
Comment: Not observed at significant frequency in large population cohorts (gnomAD); In silico analysis supports that this missense variant has a deleterious effect on protein structure/function; Has not been previously published as pathogenic or benign to our knowledge